The following is an entry in ClinVar:

NM_001127178.3(PIGG):c.2248A>C (p.Lys750Gln)

Gene: PIGG (phosphatidylinositol glycan anchor biosynthesis class G (EMM blood group); plus strand). Cytogenetic location: 4p16.3.
Variant type: single nucleotide variant.
Coding change: c.2248A>C on transcript NM_001127178.3 (MANE Select); coding-DNA position 2248, A replaced by C.
Protein change: p.Lys750Gln; replaces lysine 750 with glutamine.
Molecular consequence: missense variant. On other transcripts: non-coding transcript variant (10).
Genome position (GRCh38, 1-based): chr4:527,217, A>C. VCF-style: chr4-527217-A-C. GRCh37 (hg19) VCF-style: chr4-521006-A-C.
Other names: c.1981A>C, p.Lys661Gln (NM_001289051.2, NM_001345986.2); c.1849A>C, p.Lys617Gln (NM_001289052.2); c.1957A>C, p.Lys653Gln (NM_001345987.2); c.1219A>C, p.Lys407Gln (NM_001345988.2); c.715A>C, p.Lys239Gln (NM_001345990.2, NM_001345991.2); c.1150A>C, p.Lys384Gln (NM_001345994.2); c.2224A>C, p.Lys742Gln (NM_017733.5); short protein forms K750Q, K384Q, K407Q, K661Q, K617Q, K239Q, K653Q, K742Q.
Identifiers: ClinVar variation 580533 (VCV000580533.9), dbSNP rs1560356446, ClinGen allele CA355909160.
Genomic context (GRCh38, chr4:527,217, plus strand): 5'-GGCGTCTACTGCTACCGGGCGGCCATCGGGAGTGTCCGGTTCCCGTGGCGGCCGGACAGC[A>C]AGGACATTTCCAAGTAAGTGCGTGGCGGACACGGGGTGCATAGAGCCACTTTACTGTTTG-3'
Protein context (NP_001120650.1, residues 740-760): SVRFPWRPDS[Lys750Gln]DISKGIIEAR

ClinVar aggregate classification (germline): Uncertain significance (1 of 4 stars; one submission).

Conditions:
Intellectual disability, autosomal recessive 53 (NEDHSCA). Also called: GLYCOSYLPHOSPHATIDYLINOSITOL BIOSYNTHESIS DEFECT 13; Mental retardation, autosomal recessive 53; NEURODEVELOPMENTAL DISORDER WITH OR WITHOUT HYPOTONIA, SEIZURES, AND CEREBELLAR ATROPHY. Identifiers: Orphanet 488635, MedGen C4310794, MONDO:0014832, OMIM 616917.

Submission:

Labcorp Genetics (formerly Invitae), Labcorp
Classification: Uncertain significance for Intellectual disability, autosomal recessive 53. Last evaluated: 2018-04-19. Review status: criteria provided, single submitter. Criteria: Invitae Variant Classification Sherloc (09022015). Collection method: clinical testing. Allele origin: germline.
Comment: This variant has not been reported in the literature in individuals with PIGG-related disease. In summary, the available evidence is currently insufficient to determine the role of this variant in disease. Therefore, it has been classified as a Variant of Uncertain Significance. Algorithms developed to predict the effect of missense changes on protein structure and function (SIFT, PolyPhen-2, Align-GVGD) all suggest that this variant is likely to be tolerated, but these predictions have not been confirmed by published functional studies and their clinical significance is uncertain. This variant is not present in population databases (ExAC no frequency). This sequence change replaces lysine with glutamine at codon 750 of the PIGG protein (p.Lys750Gln). The lysine residue is weakly conserved and there is a small physicochemical difference between lysine and glutamine.